The following is an entry in ClinVar:

NM_000093.5(COL5A1):c.209G>A (p.Gly70Asp)

Gene: COL5A1 (collagen type V alpha 1 chain; plus strand). Cytogenetic location: 9q34.3.
Variant type: single nucleotide variant.
Coding change: c.209G>A on transcript NM_000093.5 (MANE Select); coding-DNA position 209, G replaced by A.
Protein change: p.Gly70Asp; replaces glycine 70 with aspartic acid.
Molecular consequence: missense variant.
Genome position (GRCh38, 1-based): chr9:134,691,011, G>A. VCF-style: chr9-134691011-G-A. GRCh37 (hg19) VCF-style: chr9-137582857-G-A.
Other names: c.209G>A, p.Gly70Asp (NM_001278074.1); short protein forms G70D.
Identifiers: ClinVar variation 4801876 (VCV004801876.1).

ClinVar aggregate classification (germline): Uncertain significance (1 of 4 stars; one submission).

Conditions:
Ehlers-Danlos syndrome, classic type, 1 (EDSCL1). Also called: EHLERS-DANLOS SYNDROME, GRAVIS TYPE; EHLERS-DANLOS SYNDROME, SEVERE CLASSIC TYPE; Ehlers-Danlos syndrome, type 1; Ehlers-Danlos Syndrome, Classic Type, COL5A1-Related; EDS I. Identifiers: MedGen C0268335, MONDO:0019567, OMIM 130000.

Submission:

Labcorp Genetics (formerly Invitae), Labcorp
Classification: Uncertain significance for Ehlers-Danlos syndrome, classic type, 1. Last evaluated: 2025-06-14. Review status: criteria provided, single submitter. Criteria: Invitae Variant Classification Sherloc (09022015). Collection method: clinical testing. Allele origin: germline.
Comment: This sequence change replaces glycine, which is neutral and non-polar, with aspartic acid, which is acidic and polar, at codon 70 of the COL5A1 protein (p.Gly70Asp). This variant is not present in population databases (gnomAD no frequency). This variant has not been reported in the literature in individuals affected with COL5A1-related conditions. Invitae Evidence Modeling of protein sequence and biophysical properties (such as structural, functional, and spatial information, amino acid conservation, physicochemical variation, residue mobility, and thermodynamic stability) indicates that this missense variant is not expected to disrupt COL5A1 protein function with a negative predictive value of 95%. In summary, the available evidence is currently insufficient to determine the role of this variant in disease. Therefore, it has been classified as a Variant of Uncertain Significance.